The following is an entry in ClinVar:

NM_032776.3(JMJD1C):c.4121C>T (p.Ala1374Val)

Gene: JMJD1C (jumonji domain containing 1C; minus strand). Cytogenetic location: 10q21.3.
Variant type: single nucleotide variant.
Coding change: c.4121C>T on transcript NM_032776.3 (MANE Select); coding-DNA position 4121, C replaced by T.
Protein change: p.Ala1374Val; replaces alanine 1374 with valine.
Molecular consequence: missense variant. On other transcripts: non-coding transcript variant (1).
Genome position (GRCh38, 1-based): chr10:63,207,548, G>A on the plus strand (C>T on the coding strand, the complement: JMJD1C is on the minus strand). VCF-style: chr10-63207548-G-A. GRCh37 (hg19) VCF-style: chr10-64967308-G-A.
Other names: c.3575C>T, p.Ala1192Val (NM_001282948.2, NM_001318154.2); c.3257C>T, p.Ala1086Val (NM_001318153.2); c.4007C>T, p.Ala1336Val (NM_001322252.2); c.3464C>T, p.Ala1155Val (NM_001322254.2, NM_001322258.2); short protein forms A1086V, A1155V, A1192V, A1336V, A1374V.
Identifiers: ClinVar variation 3615959 (VCV003615959.2).

ClinVar aggregate classification (germline): Uncertain significance (1 of 4 stars; one submission).

Conditions:
Early Myoclonic Encephalopathy. Identifiers: MedGen C0270855.

Submission:

Labcorp Genetics (formerly Invitae), Labcorp
Classification: Uncertain significance for Early Myoclonic Encephalopathy. Last evaluated: 2024-02-03. Review status: criteria provided, single submitter. Criteria: Invitae Variant Classification Sherloc (09022015). Collection method: clinical testing. Allele origin: germline.
Comment: This sequence change replaces alanine, which is neutral and non-polar, with valine, which is neutral and non-polar, at codon 1374 of the JMJD1C protein (p.Ala1374Val). This variant is not present in population databases (gnomAD no frequency). This variant has not been reported in the literature in individuals affected with JMJD1C-related conditions. Advanced modeling of protein sequence and biophysical properties (such as structural, functional, and spatial information, amino acid conservation, physicochemical variation, residue mobility, and thermodynamic stability) performed at Invitae indicates that this missense variant is not expected to disrupt JMJD1C protein function with a negative predictive value of 80%. In summary, the available evidence is currently insufficient to determine the role of this variant in disease. Therefore, it has been classified as a Variant of Uncertain Significance.